The following is an entry in ClinVar:

NM_000744.7(CHRNA4):c.1065G>A (p.Leu355=)

Gene: CHRNA4 (cholinergic receptor nicotinic alpha 4 subunit; minus strand). Cytogenetic location: 20q13.33.
Variant type: single nucleotide variant.
Coding change: c.1065G>A on transcript NM_000744.7 (MANE Select); coding-DNA position 1065, G replaced by A.
Protein change: p.Leu355=; no amino-acid change (leucine 355 retained).
Molecular consequence: synonymous variant. On other transcripts: non-coding transcript variant (1).
Genome position (GRCh38, 1-based): chr20:63,350,346, C>T on the plus strand (G>A on the coding strand, the complement: CHRNA4 is on the minus strand). VCF-style: chr20-63350346-C-T. GRCh37 (hg19) VCF-style: chr20-61981698-C-T.
Other names: c.537G>A, p.Leu179= (NM_001256573.2).
Identifiers: ClinVar variation 380716 (VCV000380716.1), dbSNP rs1057520889, ClinGen allele CA16608490.

ClinVar aggregate classification (germline): Likely benign (1 of 4 stars; one submission).

Allele frequency attached by ClinVar (database versions not stated): gnomAD 0.00001.
gnomAD v4.1: 2 of 1,613,422 alleles (0.00012%); highest among the groups gnomAD compares: South Asian, 0.0022%; no homozygotes.

Submission:

GeneDx
Classification: Likely benign. Last evaluated: 2015-10-01. Review status: criteria provided, single submitter. Criteria: GeneDx Variant Classification (06012015). Collection method: clinical testing. Allele origin: germline. Affected: yes.
Comment: This variant is considered likely benign or benign based on one or more of the following criteria: it is a conservative change, it occurs at a poorly conserved position in the protein, it is predicted to be benign by multiple in silico algorithms, and/or has population frequency not consistent with disease.